The following is an entry in ClinVar:

NM_000217.3(KCNA1):c.139C>A (p.Arg47Ser)

Gene: KCNA1 (potassium voltage-gated channel subfamily A member 1; plus strand). Cytogenetic location: 12p13.32.
Variant type: single nucleotide variant.
Coding change: c.139C>A on transcript NM_000217.3 (MANE Select); coding-DNA position 139, C replaced by A.
Protein change: p.Arg47Ser; replaces arginine 47 with serine.
Molecular consequence: missense variant.
Genome position (GRCh38, 1-based): chr12:4,911,517, C>A. VCF-style: chr12-4911517-C-A. GRCh37 (hg19) VCF-style: chr12-5020683-C-A.
Other names: short protein forms R47S.
Identifiers: ClinVar variation 2146713 (VCV002146713.4), dbSNP rs891898566, ClinGen allele CA231855415.
Genomic context (GRCh38, chr12:4,911,517, plus strand): 5'-CAGGCCGACCACGACGACCACGAGTGCTGCGAGCGCGTGGTGATCAACATCTCCGGGCTG[C>A]GCTTCGAGACGCAGCTCAAGACCCTGGCGCAGTTCCCCAACACGCTGCTGGGCAACCCTA-3'
Protein context (NP_000208.2, residues 37-57): ERVVINISGL[Arg47Ser]FETQLKTLAQ

ClinVar aggregate classification (germline): Uncertain significance (1 of 4 stars; one submission).

Conditions:
Episodic ataxia type 1 (EA1). Also called: MYOKYMIA WITH PERIODIC ATAXIA; PAROXYSMAL ATAXIA WITH NEUROMYOTONIA, HEREDITARY; Episodic ataxia/myokymia syndrome; ATAXIA, EPISODIC, WITH MYOKYMIA. Identifiers: Orphanet 37612, Orphanet 972, MedGen C1719788, MONDO:0008047, OMIM 160120.

Submission:

Labcorp Genetics (formerly Invitae), Labcorp
Classification: Uncertain significance for Episodic ataxia type 1. Last evaluated: 2022-05-10. Review status: criteria provided, single submitter. Criteria: Invitae Variant Classification Sherloc (09022015). Collection method: clinical testing. Allele origin: germline.
Comment: In summary, the available evidence is currently insufficient to determine the role of this variant in disease. Therefore, it has been classified as a Variant of Uncertain Significance. Algorithms developed to predict the effect of missense changes on protein structure and function (SIFT, PolyPhen-2, Align-GVGD) all suggest that this variant is likely to be disruptive. This variant has not been reported in the literature in individuals affected with KCNA1-related conditions. This variant is not present in population databases (gnomAD no frequency). This sequence change replaces arginine, which is basic and polar, with serine, which is neutral and polar, at codon 47 of the KCNA1 protein (p.Arg47Ser).